The following is an entry in ClinVar:

NM_201590.3(CACNB2):c.43A>T (p.Ile15Phe)

Gene: CACNB2 (calcium voltage-gated channel auxiliary subunit beta 2; plus strand). Cytogenetic location: 10p12.32.
Variant type: single nucleotide variant.
Coding change: c.43A>T on transcript NM_201590.3 (MANE Plus Clinical); coding-DNA position 43, A replaced by T.
Protein change: p.Ile15Phe; replaces isoleucine 15 with phenylalanine.
Molecular consequence: missense variant. On other transcripts: intron variant (8).
Genome position (GRCh38, 1-based): chr10:18,340,969, A>T. VCF-style: chr10-18340969-A-T. GRCh37 (hg19) VCF-style: chr10-18629898-A-T.
Other names: c.130-60955A>T (NM_201571.4, NM_001167945.2, NM_201572.4); c.214-60955A>T (NM_201596.3, NM_201593.3, NM_201597.3); c.49-60955A>T (NM_000724.4, NM_001330060.2); c.43A>T (NM_201590.2); short protein forms I15F.
Identifiers: ClinVar variation 1392860 (VCV001392860.6), dbSNP rs2041210092, ClinGen allele CA376219190.
Genomic context (GRCh38, chr10:18,340,969, plus strand): 5'-ACTTGGAATTGGTCTAGCATGCTTGACAGACGCCTTATAGCTCCTCAAACTAAATACATT[A>T]TTCCTGGGGTAAGCATACGGGAGAGAAGCCGGCCAGATGCACGGTGCGGTTTAAAGAAAA-3'
Protein context (NP_963884.2, residues 5-25): RLIAPQTKYI[Ile15Phe]PGGSADSYTS

ClinVar aggregate classification (germline): Uncertain significance. Review status: criteria provided, multiple submitters, no conflicts (2 of 4 stars). 2 submissions from 2 submitters: Uncertain significance (2). Last evaluated 2024-11-01.

Conditions:
Brugada syndrome 4 (BRGDA4). Identifiers: Orphanet 130, MedGen C2678477, MONDO:0012743, OMIM 611876.
Cardiovascular phenotype. Identifiers: MedGen CN230736.

gnomAD v4.1: 2 of 1,614,136 alleles (0.00012%); highest among the groups gnomAD compares: East Asian, 0.0022%; no homozygotes.

Submissions (2):

Ambry Genetics
Classification: Uncertain significance for Cardiovascular phenotype. Last evaluated: 2024-11-01. Review status: criteria provided, single submitter. Criteria: Ambry Variant Classification Scheme 2023. Collection method: clinical testing. Allele origin: germline.
Comment: The p.I15F variant (also known as c.43A>T), located in coding exon 1 of the CACNB2 gene, results from an A to T substitution at nucleotide position 43. The isoleucine at codon 15 is replaced by phenylalanine, an amino acid with highly similar properties. This amino acid position is conserved. In addition, this alteration is predicted to be tolerated by in silico analysis. Based on the available evidence, the clinical significance of this variant remains unclear.

Labcorp Genetics (formerly Invitae), Labcorp
Classification: Uncertain significance for Brugada syndrome 4. Last evaluated: 2021-09-24. Review status: criteria provided, single submitter. Criteria: Invitae Variant Classification Sherloc (09022015). Collection method: clinical testing. Allele origin: germline.
Comment: This sequence change replaces isoleucine with phenylalanine at codon 15 of the CACNB2 protein (p.Ile15Phe). The isoleucine residue is weakly conserved and there is a small physicochemical difference between isoleucine and phenylalanine. This variant is not present in population databases (ExAC no frequency). This variant has not been reported in the literature in individuals with CACNB2-related conditions. Algorithms developed to predict the effect of missense changes on protein structure and function (SIFT, PolyPhen-2, Align-GVGD) all suggest that this variant is likely to be tolerated, but these predictions have not been confirmed by published functional studies and their clinical significance is uncertain. In summary, the available evidence is currently insufficient to determine the role of this variant in disease. Therefore, it has been classified as a Variant of Uncertain Significance.